The following is an entry in ClinVar:

ClinVar aggregate classification (germline): Uncertain significance (1 of 4 stars; one submission).

Conditions:
Legius syndrome. Identifiers: Orphanet 137605, MedGen C1969623, MONDO:0012669, OMIM 611431. Disease mechanism: loss of function.

Submission:

Labcorp Genetics (formerly Invitae), Labcorp
Classification: Uncertain significance for Legius syndrome. Last evaluated: 2025-03-03. Review status: criteria provided, single submitter. Criteria: Invitae Variant Classification Sherloc (09022015). Collection method: clinical testing. Allele origin: germline.
Comment: This sequence change replaces glutamic acid, which is acidic and polar, with lysine, which is basic and polar, at codon 135 of the SPRED1 protein (p.Glu135Lys). This variant is not present in population databases (gnomAD no frequency). This variant has not been reported in the literature in individuals affected with SPRED1-related conditions. Invitae Evidence Modeling of protein sequence and biophysical properties (such as structural, functional, and spatial information, amino acid conservation, physicochemical variation, residue mobility, and thermodynamic stability) indicates that this missense variant is not expected to disrupt SPRED1 protein function with a negative predictive value of 80%. In summary, the available evidence is currently insufficient to determine the role of this variant in disease. Therefore, it has been classified as a Variant of Uncertain Significance.

NM_152594.3(SPRED1):c.403G>A (p.Glu135Lys)

Gene: SPRED1 (sprouty related EVH1 domain containing 1; plus strand). Cytogenetic location: 15q14.
Variant type: single nucleotide variant.
Coding change: c.403G>A on transcript NM_152594.3 (MANE Select); coding-DNA position 403, G replaced by A.
Protein change: p.Glu135Lys; replaces glutamic acid 135 with lysine.
Molecular consequence: missense variant.
Genome position (GRCh38, 1-based): chr15:38,324,789, G>A. VCF-style: chr15-38324789-G-A. GRCh37 (hg19) VCF-style: chr15-38616990-G-A.
Other names: short protein forms E135K.
Identifiers: ClinVar variation 4692029 (VCV004692029.1).